The following is an entry in ClinVar:

ClinVar aggregate classification (germline): Uncertain significance. Review status: criteria provided, multiple submitters, no conflicts (2 of 4 stars). 3 submissions from 3 submitters: Uncertain significance (3). Last evaluated 2025-04-04.

Conditions:
Hereditary cancer-predisposing syndrome. Also called: Tumor predisposition; Hereditary neoplastic syndrome; Neoplastic Syndromes, Hereditary; Hereditary Cancer Syndrome. Identifiers: Orphanet 140162, MedGen C0027672, MeSH D009386, MONDO:0015356.
Ataxia-telangiectasia syndrome (AT). Also called: LOUIS-BAR SYNDROME; Cerebello-oculocutaneous telangiectasia; Immunodeficiency with ataxia telangiectasia; Ataxia-telangiectasia, complementation group D; AT, COMPLEMENTATION GROUP C; ATAXIA-TELANGIECTASIA, COMPLEMENTATION GROUP A. Identifiers: Orphanet 100, MedGen C0004135, MONDO:0008840, OMIM 208900.

Submissions (3):

Ambry Genetics
Classification: Uncertain significance for Hereditary cancer-predisposing syndrome. Last evaluated: 2025-04-04. Review status: criteria provided, single submitter. Criteria: Ambry Variant Classification Scheme 2023. Collection method: clinical testing. Allele origin: germline.
Comment: The p.D58H variant (also known as c.172G>C), located in coding exon 2 of the ATM gene, results from a G to C substitution at nucleotide position 172. The aspartic acid at codon 58 is replaced by histidine, an amino acid with similar properties. This amino acid position is highly conserved in available vertebrate species. In addition, the in silico prediction for this alteration is inconclusive. Based on the available evidence, the clinical significance of this variant remains unclear.

Labcorp Genetics (formerly Invitae), Labcorp
Classification: Uncertain significance for Ataxia-telangiectasia syndrome. Last evaluated: 2024-03-12. Review status: criteria provided, single submitter. Criteria: Invitae Variant Classification Sherloc (09022015). Collection method: clinical testing. Allele origin: germline.
Comment: This sequence change replaces aspartic acid, which is acidic and polar, with histidine, which is basic and polar, at codon 58 of the ATM protein (p.Asp58His). This variant is not present in population databases (gnomAD no frequency). This variant has not been reported in the literature in individuals affected with ATM-related conditions. ClinVar contains an entry for this variant (Variation ID: 495388). Advanced modeling of protein sequence and biophysical properties (such as structural, functional, and spatial information, amino acid conservation, physicochemical variation, residue mobility, and thermodynamic stability) performed at Invitae indicates that this missense variant is not expected to disrupt ATM protein function with a negative predictive value of 95%. In summary, the available evidence is currently insufficient to determine the role of this variant in disease. Therefore, it has been classified as a Variant of Uncertain Significance.

Women's Health and Genetics/Laboratory Corporation of America, LabCorp
Classification: Uncertain significance. Last evaluated: 2019-07-15. Review status: criteria provided, single submitter. Criteria: LabCorp Variant Classification Summary - May 2015. Collection method: clinical testing. Allele origin: germline.
Comment: Variant summary: ATM c.172G>C (p.Asp58His) results in a non-conservative amino acid change located in the Telomere-length maintenance and DNA damage repair domain of the encoded protein sequence. Four of five in-silico tools predict a damaging effect of the variant on protein function. The variant was absent in 250818 control chromosomes. The available data on variant occurrences in the general population are insufficient to allow any conclusion about variant significance. To our knowledge, no occurrence of c.172G>C in individuals affected with Ataxia-Telangiectasia and no experimental evidence demonstrating its impact on protein function have been reported. No other clinical diagnostic laboratories have submitted clinical-significance assessments for this variant to ClinVar after 2014. Based on the evidence outlined above, the variant was classified as uncertain significance.

NM_000051.4(ATM):c.172G>C (p.Asp58His)

Gene: ATM (ATM serine/threonine kinase; plus strand). Cytogenetic location: 11q22.3.
Variant type: single nucleotide variant.
Coding change: c.172G>C on transcript NM_000051.4 (MANE Select); coding-DNA position 172, G replaced by C.
Protein change: p.Asp58His; replaces aspartic acid 58 with histidine.
Molecular consequence: missense variant.
Genome position (GRCh38, 1-based): chr11:108,227,875, G>C. VCF-style: chr11-108227875-G-C. GRCh37 (hg19) VCF-style: chr11-108098602-G-C.
Other names: c.172G>C, p.Asp58His (NM_001351834.2, NM_001351835.2, NM_001351836.2); short protein forms D58H.
Identifiers: ClinVar variation 495388 (VCV000495388.15), dbSNP rs876660661, ClinGen allele CA382520526.